The following is an entry in ClinVar:

ClinVar aggregate classification (germline): Benign. Review status: criteria provided, multiple submitters, no conflicts (2 of 4 stars). 7 submissions from 6 submitters: Benign (7). Last evaluated 2024-11-28.

Conditions:
Brown-Vialetto-van Laere syndrome 1. Also called: BULBAR PALSY, PROGRESSIVE, WITH SENSORINEURAL DEAFNESS; PONTOBULBAR PALSY WITH DEAFNESS; BROWN-VIALETTO-VAN LAERE SYNDROME 1, MILD. Identifiers: Orphanet 572550, Orphanet 97229, MedGen C0796274, MONDO:0024537, OMIM 211530.
Progressive bulbar palsy of childhood. Also called: FAZIO-LONDE DISEASE; Childhood Progressive Bulbar Palsy. Identifiers: MedGen C0393540, MONDO:0100428, OMIM 211500.

Submissions (7):

Blueprint Genetics
Classification: Benign. Last evaluated: 2024-11-28. Review status: criteria provided, single submitter. Criteria: ACMG Guidelines, 2015. Collection method: clinical testing. Allele origin: germline.

Mayo Clinic Laboratories, Mayo Clinic
Classification: Benign. Last evaluated: 2022-04-26. Review status: criteria provided, single submitter. Criteria: ACMG Guidelines, 2015. Collection method: clinical testing. Allele origin: germline. Observed: 639 variant alleles.

Genome-Nilou Lab
Classification: Benign for Progressive bulbar palsy of childhood. Last evaluated: 2021-07-14. Review status: criteria provided, single submitter. Criteria: ACMG Guidelines, 2015. Collection method: clinical testing. Allele origin: germline. Affected: no.

Genome-Nilou Lab
Classification: Benign for Brown-Vialetto-van Laere syndrome 1. Last evaluated: 2021-07-14. Review status: criteria provided, single submitter. Criteria: ACMG Guidelines, 2015. Collection method: clinical testing. Allele origin: germline. Affected: no.

GeneDx
Classification: Benign. Last evaluated: 2018-07-03. Review status: criteria provided, single submitter. Criteria: GeneDx Variant Classification Process June 2021. Collection method: clinical testing. Allele origin: germline. Affected: yes.

Laboratory for Molecular Medicine, Mass General Brigham Personalized Medicine
Classification: Benign. Last evaluated: 2017-09-25. Review status: criteria provided, single submitter. Criteria: LMM Criteria. Collection method: clinical testing. Allele origin: germline. Observed: 24 variant alleles.
Comment: c.-14_-6del in exon 2 of SLC52A3: This variant is not expected to have clinical significance because it has been identified in 33.2% (7594/22860) of African chr omosomes by the Genome Aggregation Database (gnomAD, e.org/; dbSNP rs11467076).

PreventionGenetics, part of Exact Sciences
Classification: Benign. Review status: criteria provided, single submitter. Criteria: ACMG Guidelines, 2015. Collection method: clinical testing. Allele origin: germline.

NM_033409.4(SLC52A3):c.-14_-6del

Gene: SLC52A3 (solute carrier family 52 member 3; minus strand). Cytogenetic location: 20p13.
Variant type: Deletion.
Coding change: c.-14_-6del on transcript NM_033409.4 (MANE Select); 14 bases upstream of the start codon through 6 bases upstream of the start codon, 9 bases deleted (GGGCAGATA; older notation c.-14_-6delGGGCAGATA).
Molecular consequence: 5 prime UTR variant.
Genome position (GRCh38, 1-based): chr20:765,780-765,788, TATCTGCCC deleted on the plus strand (GGGCAGATA on the coding strand, the reverse complement: SLC52A3 is on the minus strand); deleting any 9 consecutive bases within chr20:765,780-765,789 gives the same sequence; the c. name uses the placement nearest the transcript's 3' end. VCF-style (leftmost placement, unchanged base first): chr20-765779-GTATCTGCCC-G. GRCh37 (hg19) VCF-style: chr20-746423-GTATCTGCCC-G.
Other names: c.-14_-6del (NM_001370085.1, NM_001370086.1).
Identifiers: ClinVar variation 262228 (VCV000262228.14), dbSNP rs11467076, ClinGen allele CA9724847.